The following is an entry in ClinVar:

NM_000059.4(BRCA2):c.7277T>C (p.Ile2426Thr)

Gene: BRCA2 (BRCA2 DNA repair associated; plus strand). Cytogenetic location: 13q13.1.
Variant type: single nucleotide variant.
Coding change: c.7277T>C on transcript NM_000059.4 (MANE Select); coding-DNA position 7277, T replaced by C.
Protein change: p.Ile2426Thr; replaces isoleucine 2426 with threonine.
Molecular consequence: missense variant.
Genome position (GRCh38, 1-based): chr13:32,355,130, T>C. VCF-style: chr13-32355130-T-C. GRCh37 (hg19) VCF-style: chr13-32929267-T-C.
Other names: short protein forms I2426T.
Identifiers: ClinVar variation 462434 (VCV000462434.16), dbSNP rs1555286064, ClinGen allele CA387740652.

ClinVar aggregate classification (germline): Conflicting classifications of pathogenicity. Review status: criteria provided, conflicting classifications (1 of 4 stars). 3 submissions from 3 submitters: Uncertain significance (2); Likely benign (1). Last evaluated 2023-12-05.

Conditions:
Hereditary breast ovarian cancer syndrome. Also called: Hereditary breast and ovarian cancer syndrome (HBOC); Hereditary breast and ovarian cancer syndrome; Breast and ovarian cancer; Hereditary breast and/or ovarian cancer syndrome; Hereditary breast and ovarian cancer; BRCA1- and BRCA2-Associated Hereditary Breast and Ovarian Cancer. Identifiers: Orphanet 145, MedGen C0677776, MeSH D061325, MONDO:0003582. Disease mechanism: loss of function.
Hereditary cancer-predisposing syndrome. Also called: Neoplastic Syndromes, Hereditary; Hereditary Cancer Syndrome; Hereditary neoplastic syndrome; Tumor predisposition. Identifiers: Orphanet 140162, MedGen C0027672, MeSH D009386, MONDO:0015356.

Submissions (3):

Color Diagnostics, LLC DBA Color Health
Classification: Uncertain significance for Hereditary cancer-predisposing syndrome. Last evaluated: 2023-12-05. Review status: criteria provided, single submitter. Criteria: ACMG Guidelines, 2015. Collection method: clinical testing. Allele origin: germline.
Comment: This missense variant replaces isoleucine with threonine at codon 2426 of the BRCA2 protein. Computational prediction suggests that this variant may not impact protein structure and function (internally defined REVEL score threshold <= 0.5, PMID: 27666373). To our knowledge, functional studies have not been reported for this variant. This variant has not been reported in individuals affected with BRCA2-related disorders in the literature. This variant has not been identified in the general population by the Genome Aggregation Database (gnomAD). The available evidence is insufficient to determine the role of this variant in disease conclusively. Therefore, this variant is classified as a Variant of Uncertain Significance.

Ambry Genetics
Classification: Likely benign for Hereditary cancer-predisposing syndrome. Last evaluated: 2022-04-13. Review status: criteria provided, single submitter. Criteria: Ambry Variant Classification Scheme 2023. Collection method: clinical testing. Allele origin: germline.

Labcorp Genetics (formerly Invitae), Labcorp
Classification: Uncertain significance for Hereditary breast ovarian cancer syndrome. Last evaluated: 2020-07-19. Review status: criteria provided, single submitter. Criteria: Invitae Variant Classification Sherloc (09022015). Collection method: clinical testing. Allele origin: germline.
Comment: In summary, the available evidence is currently insufficient to determine the role of this variant in disease. Therefore, it has been classified as a Variant of Uncertain Significance. Algorithms developed to predict the effect of missense changes on protein structure and function output the following: SIFT: "Tolerated"; PolyPhen-2: "Benign"; Align-GVGD: "Class C0". The threonine amino acid residue is found in multiple mammalian species, suggesting that this missense change does not adversely affect protein function. These predictions have not been confirmed by published functional studies and their clinical significance is uncertain. This variant has not been reported in the literature in individuals with BRCA2-related disease. ClinVar contains an entry for this variant (Variation ID: 462434). This variant is not present in population databases (ExAC no frequency). This sequence change replaces isoleucine with threonine at codon 2426 of the BRCA2 protein (p.Ile2426Thr). The isoleucine residue is weakly conserved and there is a moderate physicochemical difference between isoleucine and threonine.